The following is an entry in ClinVar:

NM_014000.3(VCL):c.1558C>T (p.Arg520Trp)

Gene: VCL (vinculin; plus strand). Cytogenetic location: 10q22.2.
Variant type: single nucleotide variant.
Coding change: c.1558C>T on transcript NM_014000.3 (MANE Select); coding-DNA position 1558, C replaced by T.
Protein change: p.Arg520Trp; replaces arginine 520 with tryptophan.
Molecular consequence: missense variant.
Genome position (GRCh38, 1-based): chr10:74,095,670, C>T. VCF-style: chr10-74095670-C-T. GRCh37 (hg19) VCF-style: chr10-75855428-C-T.
Other names: c.1558C>T, p.Arg520Trp (NM_003373.4); short protein forms R520W.
Identifiers: ClinVar variation 1174806 (VCV001174806.18), dbSNP rs377722209, ClinGen allele CA5563037.

ClinVar aggregate classification (germline): Uncertain significance. Review status: criteria provided, multiple submitters, no conflicts (2 of 4 stars). 7 submissions from 7 submitters: Uncertain significance (5). 2 of the submissions do not count toward it. Last evaluated 2026-06-30.

Conditions:
VCL-related disorder. Also called: VCL-related condition.
Cardiovascular phenotype. Identifiers: MedGen CN230736.
Hypertrophic cardiomyopathy 15. Identifiers: MedGen C2750459, MONDO:0013200, OMIM 613255.
Dilated cardiomyopathy 1W (CMD1W). Identifiers: Orphanet 154, MedGen C1969639, MONDO:0012667, OMIM 611407.

Allele frequency attached by ClinVar (database versions not stated): ExAC 0.00001; gnomAD 0.00002; gnomAD exomes 0.00002; TOPMed 0.00003; ESP Exome Variant Server 0.00008.

Submissions (7):

PreventionGenetics, part of Exact Sciences
Classification: Uncertain significance for VCL-related condition. Last evaluated: 2026-06-30. Review status: criteria provided, single submitter. Criteria: ACMG Guidelines, 2015. Collection method: clinical testing. Allele origin: germline.
Comment: The VCL c.1558C>T variant is predicted to result in the amino acid substitution p.Arg520Trp. This variant has been reported as uncertain significance in at least one individual with dilated cardiomyopathy and in a case of sudden cardiac death (Table S4, Verdonschot et al. 2020. PubMed ID: 32880476; Scheiper-Welling et al. 2022. PubMed ID: 35091851; Table S3, Stroeks et al. 2023. PubMed ID: 37198425). This variant is reported in 0.0058% of alleles in individuals of Latino descent in gnomAD. At this time, the clinical significance of this variant is uncertain.

Labcorp Genetics (formerly Invitae), Labcorp
Classification: Uncertain significance for Dilated cardiomyopathy 1W. Last evaluated: 2025-08-16. Review status: criteria provided, single submitter. Criteria: Invitae Variant Classification Sherloc (09022015). Collection method: clinical testing. Allele origin: germline.
Comment: This sequence change replaces arginine, which is basic and polar, with tryptophan, which is neutral and slightly polar, at codon 520 of the VCL protein (p.Arg520Trp). This variant is present in population databases (rs377722209, gnomAD 0.006%). This missense change has been observed in individual(s) with dilated cardiomyopathy and/or sudden cardiac death (PMID: 32880476, 35091851). ClinVar contains an entry for this variant (Variation ID: 1174806). An algorithm developed to predict the effect of missense changes on protein structure and function (PolyPhen-2) suggests that this variant is likely to be disruptive. In summary, the available evidence is currently insufficient to determine the role of this variant in disease. Therefore, it has been classified as a Variant of Uncertain Significance.

Ambry Genetics
Classification: Uncertain significance for Cardiovascular phenotype. Last evaluated: 2025-02-13. Review status: criteria provided, single submitter. Criteria: Ambry Variant Classification Scheme 2023. Collection method: clinical testing. Allele origin: germline.

GeneDx
Classification: Uncertain significance. Last evaluated: 2024-06-16. Review status: criteria provided, single submitter. Criteria: GeneDx Variant Classification Process June 2021. Collection method: clinical testing. Allele origin: germline. Affected: yes.
Comment: Not observed at significant frequency in large population cohorts (gnomAD); In silico analysis supports that this missense variant has a deleterious effect on protein structure/function; Identified in a patient with DCM and a patient with sudden death; however, detailed clinical information was not provided (PMID: 32880476, 35091851); This variant is associated with the following publications: (PMID: 35091851, 32880476)

Fulgent Genetics
Classification: Uncertain significance for Dilated cardiomyopathy 1W; Hypertrophic cardiomyopathy 15. Last evaluated: 2021-12-14. Review status: criteria provided, single submitter. Criteria: ACMG Guidelines, 2015. Collection method: clinical testing. Allele origin: unknown.

Diagnostic Laboratory, Department of Genetics, University Medical Center Groningen
Classification: Uncertain significance. Review status: no assertion criteria provided. Collection method: clinical testing. Allele origin: germline. Affected: yes. Study: VKGL Data-share Consensus. Not counted in ClinVar's aggregate classification.

Joint Genome Diagnostic Labs from Nijmegen and Maastricht, Radboudumc and MUMC+
Classification: Uncertain significance. Review status: no assertion criteria provided. Collection method: clinical testing. Allele origin: germline. Affected: yes. Study: VKGL Data-share Consensus. Not counted in ClinVar's aggregate classification.

Literature cited by the submitters: PubMed 32880476 (cited by Labcorp Genetics (formerly Invitae), Labcorp); PubMed 35091851 (cited by Labcorp Genetics (formerly Invitae), Labcorp).